The following is an entry in ClinVar:

NM_001366919.1(RNF212):c.814+10C>T

Gene: RNF212 (ring finger protein 212; minus strand). Cytogenetic location: 4p16.3.
Variant type: single nucleotide variant.
Coding change: c.814+10C>T on transcript NM_001366919.1; 10 bases into the intron after coding-DNA position 814, C replaced by T.
Molecular consequence: intron variant.
Genome position (GRCh38, 1-based): chr4:1,056,828, G>A on the plus strand (C>T on the coding strand, the complement: RNF212 is on the minus strand). VCF-style: chr4-1056828-G-A. GRCh37 (hg19) VCF-style: chr4-1050616-G-A.
Other names: c.648-325C>T (NM_001366918.1).
Identifiers: ClinVar variation 3043676 (VCV003043676.2), dbSNP rs1717354468, ClinGen allele CA1058452745.

ClinVar aggregate classification (germline): Likely benign (0 of 4 stars; one submission).

Conditions:
RNF212-related disorder. Also called: RNF212-related condition.

Allele frequency attached by ClinVar (database versions not stated): gnomAD 0.00001; gnomAD exomes below 0.00001.
gnomAD v4.1: 2 of 987,302 alleles (0.0002%); highest among the groups gnomAD compares: South Asian, 0.0094%; no homozygotes.

Submission:

PreventionGenetics, part of Exact Sciences
Classification: Likely benign for RNF212-related condition. Last evaluated: 2022-12-06. Review status: no assertion criteria provided. Collection method: clinical testing. Allele origin: germline.
Comment: This variant is classified as likely benign based on ACMG/AMP sequence variant interpretation guidelines (Richards et al. 2015 PMID: 25741868, with internal and published modifications).